The following is an entry in ClinVar:

NM_001005242.3(PKP2):c.341G>A (p.Gly114Asp)

Gene: PKP2 (plakophilin 2; minus strand). Cytogenetic location: 12p11.21.
Variant type: single nucleotide variant.
Coding change: c.341G>A on transcript NM_001005242.3 (MANE Select); coding-DNA position 341, G replaced by A.
Protein change: p.Gly114Asp; replaces glycine 114 with aspartic acid.
Molecular consequence: missense variant.
Genome position (GRCh38, 1-based): chr12:32,878,539, C>T on the plus strand (G>A on the coding strand, the complement: PKP2 is on the minus strand). VCF-style: chr12-32878539-C-T. GRCh37 (hg19) VCF-style: chr12-33031473-C-T.
Other names: c.341G>A, p.Gly114Asp (NM_001407155.1, NM_001407156.1, NM_001407157.1 and 2 more transcripts); c.14G>A, p.Gly5Asp (NM_001407158.1, NM_001407159.1, NM_001407160.1 and 1 more transcripts); short protein forms G114D, G5D.
Identifiers: ClinVar variation 4686101 (VCV004686101.1).

ClinVar aggregate classification (germline): Uncertain significance (1 of 4 stars; one submission).

Submission:

GeneDx
Classification: Uncertain significance. Last evaluated: 2025-07-19. Review status: criteria provided, single submitter. Criteria: GeneDx Variant Classification Process June 2021. Collection method: clinical testing. Allele origin: germline. Affected: yes.
Comment: Not observed at significant frequency in large population cohorts (gnomAD); In silico analysis supports that this missense variant has a deleterious effect on protein structure/function; Has not been previously published as pathogenic or benign to our knowledge